The following is an entry in ClinVar:

NM_001364905.1(LRBA):c.227G>A (p.Gly76Glu)

Gene: LRBA (LPS responsive beige-like anchor protein; minus strand). Cytogenetic location: 4q31.3.
Variant type: single nucleotide variant.
Coding change: c.227G>A on transcript NM_001364905.1 (MANE Select); coding-DNA position 227, G replaced by A.
Protein change: p.Gly76Glu; replaces glycine 76 with glutamic acid.
Molecular consequence: missense variant.
Genome position (GRCh38, 1-based): chr4:150,929,055, C>T on the plus strand (G>A on the coding strand, the complement: LRBA is on the minus strand). VCF-style: chr4-150929055-C-T. GRCh37 (hg19) VCF-style: chr4-151850207-C-T.
Other names: c.227G>A, p.Gly76Glu (NM_001199282.3, NM_001367550.1, NM_006726.5); short protein forms G76E.
Identifiers: ClinVar variation 1406168 (VCV001406168.6), dbSNP rs1260204902, ClinGen allele CA358439686.
Genomic context (GRCh38, chr4:150,929,055, plus strand): 5'-ACCATGCAGTTAATACTCTCACCTTCTTGGATAATGAAATTCATTTCCAGATCAAACTGT[C>T]CTCCTACCAACTTACAAGGAAAAAAAAAAAACACATTAAAAGCATTAGTATCCTCAATAT-3'
Protein context (NP_001351834.1, residues 66-86): VETVFNLLVG[Gly76Glu]QFDLEMNFII

ClinVar aggregate classification (germline): Uncertain significance. Review status: criteria provided, multiple submitters, no conflicts (2 of 4 stars). 2 submissions from 2 submitters: Uncertain significance (2). Last evaluated 2024-10-16.

Conditions:
Combined immunodeficiency due to LRBA deficiency. Also called: Common variable immunodeficiency 8, with autoimmunity. Identifiers: Orphanet 445018, MedGen C3553512, MONDO:0013863, OMIM 614700.
Inborn genetic diseases. Identifiers: MedGen C0950123, MeSH D030342.

Allele frequency attached by ClinVar (database versions not stated): gnomAD 0.00001; gnomAD exomes below 0.00001.
gnomAD v4.1: 4 of 1,609,530 alleles (0.00025%); highest among the groups gnomAD compares: Non-Finnish European, 0.00034%; no homozygotes.

Submissions (2):

Labcorp Genetics (formerly Invitae), Labcorp
Classification: Uncertain significance for Combined immunodeficiency due to LRBA deficiency. Last evaluated: 2024-10-16. Review status: criteria provided, single submitter. Criteria: Invitae Variant Classification Sherloc (09022015). Collection method: clinical testing. Allele origin: germline.
Comment: This sequence change replaces glycine, which is neutral and non-polar, with glutamic acid, which is acidic and polar, at codon 76 of the LRBA protein (p.Gly76Glu). The frequency data for this variant in the population databases is considered unreliable, as metrics indicate poor data quality at this position in the gnomAD database. This variant has not been reported in the literature in individuals affected with LRBA-related conditions. ClinVar contains an entry for this variant (Variation ID: 1406168). Invitae Evidence Modeling of protein sequence and biophysical properties (such as structural, functional, and spatial information, amino acid conservation, physicochemical variation, residue mobility, and thermodynamic stability) indicates that this missense variant is expected to disrupt LRBA protein function with a positive predictive value of 80%. In summary, the available evidence is currently insufficient to determine the role of this variant in disease. Therefore, it has been classified as a Variant of Uncertain Significance.

Ambry Genetics
Classification: Uncertain significance for Inborn genetic diseases. Last evaluated: 2023-12-31. Review status: criteria provided, single submitter. Criteria: Ambry Variant Classification Scheme 2023. Collection method: clinical testing. Allele origin: germline.